The following is an entry in ClinVar:

NM_006031.6(PCNT):c.9434T>G (p.Phe3145Cys)

Gene: PCNT (pericentrin; plus strand). Cytogenetic location: 21q22.3.
Variant type: single nucleotide variant.
Coding change: c.9434T>G on transcript NM_006031.6 (MANE Select); coding-DNA position 9434, T replaced by G.
Protein change: p.Phe3145Cys; replaces phenylalanine 3145 with cysteine.
Molecular consequence: missense variant.
Genome position (GRCh38, 1-based): chr21:46,440,895, T>G. VCF-style: chr21-46440895-T-G. GRCh37 (hg19) VCF-style: chr21-47860808-T-G.
Other names: c.8843T>G, p.Phe2948Cys (NM_001315529.2); short protein forms F2948C, F3145C.
Identifiers: ClinVar variation 3344436 (VCV003344436.1).

ClinVar aggregate classification (germline): Uncertain significance (0 of 4 stars; one submission).

Conditions:
PCNT-related disorder. Also called: PCNT-related condition.

gnomAD v4.1: 1 of 1,613,526 alleles (0.000062%); highest among the groups gnomAD compares: Non-Finnish European, 0.000085%; no homozygotes.

Submission:

PreventionGenetics, part of Exact Sciences
Classification: Uncertain significance for PCNT-related condition. Last evaluated: 2024-06-07. Review status: no assertion criteria provided. Collection method: clinical testing. Allele origin: germline.
Comment: The PCNT c.9434T>G variant is predicted to result in the amino acid substitution p.Phe3145Cys. To our knowledge, this variant has not been reported in the literature or in a large population database, indicating this variant is rare. At this time, the clinical significance of this variant is uncertain due to the absence of conclusive functional and genetic evidence.